The following is an entry in ClinVar:

NM_000257.4(MYH7):c.4513C>T (p.Leu1505=)

Genes: MHRT (myosin heavy chain associated RNA transcript; plus strand), MYH7 (myosin heavy chain 7; minus strand). Cytogenetic location: 14q11.2.
Variant type: single nucleotide variant.
Coding change: c.4513C>T on transcript NM_000257.4 (MANE Select); coding-DNA position 4513, C replaced by T.
Protein change: p.Leu1505=; no amino-acid change (leucine 1505 retained).
Molecular consequence: synonymous variant.
Genome position (GRCh38, 1-based): chr14:23,417,159, G>A on the plus strand (C>T on the coding strand, the complement: MYH7 is on the minus strand). VCF-style: chr14-23417159-G-A. GRCh37 (hg19) VCF-style: chr14-23886368-G-A.
Other names: c.4513C>T (LRG_384t1).
Identifiers: ClinVar variation 378214 (VCV000378214.25), dbSNP rs139928934, ClinGen allele CA042487.

ClinVar aggregate classification (germline): Likely benign. Review status: criteria provided, multiple submitters, no conflicts (2 of 4 stars). 8 submissions from 8 submitters: Likely benign (8). Last evaluated 2026-05-19.

Conditions:
MYH7-related disorder. Also called: MYH7-related disorders; MYH7-related condition; MYH7-related disease.
Hypertrophic cardiomyopathy. Also called: HYPERTROPHIC MYOCARDIOPATHY. Identifiers: Orphanet 217569, MedGen C0007194, MeSH D002312, MONDO:0005045, HP:0001639.
Cardiovascular phenotype. Identifiers: MedGen CN230736.
Cardiomyopathy (CMYO). Also called: Cardiomyopathies. Identifiers: Orphanet 167848, MedGen C0878544, MONDO:0004994, HP:0001638. Inheritance: Various modes of inheritance.

Allele frequency attached by ClinVar (database versions not stated): gnomAD exomes 0.00001 and 0.00005; ExAC 0.00006; ESP Exome Variant Server 0.00008; gnomAD 0.00013 and 0.00014; TOPMed 0.00017; 1000 Genomes Project 0.00020; 1000 Genomes Project 30x 0.00031.
gnomAD v4.1: 45 of 1,614,146 alleles (0.0028%); highest among the groups gnomAD compares: African/African-American, 0.049%; no homozygotes.

Submissions (8):

PreventionGenetics, part of Exact Sciences
Classification: Likely benign for MYH7-related condition. Last evaluated: 2026-05-19. Review status: criteria provided, single submitter. Criteria: ACMG Guidelines, 2015. Collection method: clinical testing. Allele origin: germline.
Comment: This variant is classified as likely benign based on ACMG/AMP sequence variant interpretation guidelines (Richards et al. 2015 PMID: 25741868, with internal and published modifications).

Labcorp Genetics (formerly Invitae), Labcorp
Classification: Likely benign for Hypertrophic cardiomyopathy. Last evaluated: 2026-01-31. Review status: criteria provided, single submitter. Criteria: Invitae Variant Classification Sherloc (09022015). Collection method: clinical testing. Allele origin: germline.

Molecular Diagnostic Laboratory for Inherited Cardiovascular Disease, Montreal Heart Institute
Classification: Likely benign. Last evaluated: 2025-04-09. Review status: criteria provided, single submitter. Criteria: ACMG Guidelines, 2015. Collection method: clinical testing. Allele origin: germline. Affected: no.

ARUP Laboratories, Molecular Genetics and Genomics, ARUP Laboratories
Classification: Likely benign. Last evaluated: 2024-03-21. Review status: criteria provided, single submitter. Criteria: ARUP Molecular Germline Variant Investigation Process 2024. Collection method: clinical testing. Allele origin: germline.

All of Us Research Program, National Institutes of Health
Classification: Likely benign for Cardiomyopathy. Last evaluated: 2024-02-05. Review status: criteria provided, single submitter. Criteria: ACMG Guidelines, 2015. Collection method: clinical testing. Allele origin: germline. Inheritance: Autosomal dominant inheritance. Observed: 15 variant alleles, 15 heterozygotes.
Comment: This study involves interpretation of variants in research participants for the purpose of population health screening. Participant phenotype was not available at the time of variant classification. Additional details can be found in publication PMID: 35346344, PMCID: PMC8962531

GeneDx
Classification: Likely benign. Last evaluated: 2019-03-15. Review status: criteria provided, single submitter. Criteria: GeneDx Variant Classification Process June 2021. Collection method: clinical testing. Allele origin: germline. Affected: yes.

Color Diagnostics, LLC DBA Color Health
Classification: Likely benign for Cardiomyopathy. Last evaluated: 2019-02-16. Review status: criteria provided, single submitter. Criteria: ACMG Guidelines, 2015. Collection method: clinical testing. Allele origin: germline.

Ambry Genetics
Classification: Likely benign for Cardiovascular phenotype. Last evaluated: 2016-11-29. Review status: criteria provided, single submitter. Criteria: Ambry Variant Classification Scheme 2023. Collection method: clinical testing. Allele origin: germline.